The following is an entry in ClinVar:

NM_001084.5(PLOD3):c.668A>G (p.Asn223Ser)

Gene: PLOD3 (procollagen-lysine,2-oxoglutarate 5-dioxygenase 3; minus strand). Cytogenetic location: 7q22.1.
Variant type: single nucleotide variant.
Coding change: c.668A>G on transcript NM_001084.5 (MANE Select); coding-DNA position 668, A replaced by G.
Protein change: p.Asn223Ser; replaces asparagine 223 with serine.
Molecular consequence: missense variant.
Genome position (GRCh38, 1-based): chr7:101,215,100, T>C on the plus strand (A>G on the coding strand, the complement: PLOD3 is on the minus strand). VCF-style: chr7-101215100-T-C. GRCh37 (hg19) VCF-style: chr7-100858381-T-C.
Other names: short protein forms N223S.
Identifiers: ClinVar variation 6643 (VCV000006643.4), dbSNP rs121434414, ClinGen allele CA118385.
Genomic context (GRCh38, chr7:101,215,100, plus strand): 5'-TAGCTGCAGAGGCTGCGCATCGCCCACCTGCGGCTGTCTTCCTCCTCACCTAAAGCCCCG[T>C]TGAGGTTCTGAAAGATCCGAGACTTATGATCCAGATTAAGGCTGAGTTTCTCCTAAATGG-3'
Protein context (NP_001075.1, residues 213-233): DHKSRIFQNL[Asn223Ser]GALDEVVLKF

ClinVar aggregate classification (germline): Uncertain significance. Review status: criteria provided, single submitter (1 of 4 stars). 2 submissions from 2 submitters: Uncertain significance (1). 1 of the submissions does not count toward it. Last evaluated 2022-03-26.

Conditions:
Bone fragility with contractures, arterial rupture, and deafness. Also called: BCARD SYNDROME; BONE ABNORMALITIES, CATARACT, ARTERIAL RUPTURE, AND DEAFNESS; LH3 DEFICIENCY; LYSYL HYDROXYLASE 3 DEFICIENCY. Identifiers: Orphanet 300284, MedGen C2676285, MONDO:0012892, OMIM 612394.

Allele frequency attached by ClinVar (database versions not stated): gnomAD 0.00001; gnomAD exomes 0.00001 and 0.00002; TOPMed 0.00001; ExAC 0.00002.
gnomAD v4.1: 28 of 1,612,608 alleles (0.0017%); highest among the groups gnomAD compares: Non-Finnish European, 0.0024%; no homozygotes.

Submissions (2):

Labcorp Genetics (formerly Invitae), Labcorp
Classification: Uncertain significance. Last evaluated: 2022-03-26. Review status: criteria provided, single submitter. Criteria: Invitae Variant Classification Sherloc (09022015). Collection method: clinical testing. Allele origin: germline.
Comment: This sequence change replaces asparagine, which is neutral and polar, with serine, which is neutral and polar, at codon 223 of the PLOD3 protein (p.Asn223Ser). This variant is present in population databases (rs121434414, gnomAD 0.002%). This missense change has been observed in individual(s) with PLOD3-related conditions (PMID: 18834968). ClinVar contains an entry for this variant (Variation ID: 6643). Algorithms developed to predict the effect of missense changes on protein structure and function are either unavailable or do not agree on the potential impact of this missense change (SIFT: "Tolerated"; PolyPhen-2: "Possibly Damaging"; Align-GVGD: "Class C0"). Experimental studies have shown that this missense change affects PLOD3 function (PMID: 18834968, 30089812). In summary, the available evidence is currently insufficient to determine the role of this variant in disease. Therefore, it has been classified as a Variant of Uncertain Significance.

OMIM
Classification: Pathogenic for BONE FRAGILITY WITH CONTRACTURES, ARTERIAL RUPTURE, AND DEAFNESS. Last evaluated: 2008-10-01. Review status: no assertion criteria provided. Collection method: literature only. Allele origin: germline. Not counted in ClinVar's aggregate classification.

Literature cited by the submitters: PubMed 18834968 (cited by Labcorp Genetics (formerly Invitae), Labcorp and OMIM); PubMed 30089812 (cited by Labcorp Genetics (formerly Invitae), Labcorp).